The following is an entry in ClinVar:

ClinVar aggregate classification (germline): Uncertain significance (1 of 4 stars; one submission).

Submission:

Labcorp Genetics (formerly Invitae), Labcorp
Classification: Uncertain significance. Last evaluated: 2024-04-23. Review status: criteria provided, single submitter. Criteria: Invitae Variant Classification Sherloc (09022015). Collection method: clinical testing. Allele origin: germline.
Comment: This sequence change falls in intron 20 of the ERBB2 gene. It does not directly change the encoded amino acid sequence of the ERBB2 protein. It affects a nucleotide within the consensus splice site. This variant is not present in population databases (gnomAD no frequency). This variant has not been reported in the literature in individuals affected with ERBB2-related conditions. ClinVar contains an entry for this variant (Variation ID: 1063270). Variants that disrupt the consensus splice site are a relatively common cause of aberrant splicing (PMID: 17576681, 9536098). Algorithms developed to predict the effect of sequence changes on RNA splicing suggest that this variant is not likely to affect RNA splicing. In summary, the available evidence is currently insufficient to determine the role of this variant in disease. Therefore, it has been classified as a Variant of Uncertain Significance.

Literature cited by the submitters: PubMed 17576681; PubMed 9536098.

NM_004448.4(ERBB2):c.2493+5G>A

Gene: ERBB2 (erb-b2 receptor tyrosine kinase 2; plus strand). Cytogenetic location: 17q12.
Variant type: single nucleotide variant.
Coding change: c.2493+5G>A on transcript NM_004448.4 (MANE Select); 5 bases into the intron after coding-DNA position 2493, G replaced by A.
Molecular consequence: intron variant.
Genome position (GRCh38, 1-based): chr17:39,724,916, G>A. VCF-style: chr17-39724916-G-A. GRCh37 (hg19) VCF-style: chr17-37881169-G-A.
Other names: c.2403+5G>A (NM_001382782.1, NM_001005862.3, NM_001382783.1); c.2448+5G>A (NM_001289936.2); c.2568+5G>A (NM_001382787.1); c.2610+5G>A (NM_001382784.1); c.2574+5G>A (NM_001382786.1); c.2514+5G>A (NM_001382789.1); c.2523+5G>A (NM_001382788.1); c.2595+5G>A (NM_001382785.1); and 13 more.
Identifiers: ClinVar variation 1063270 (VCV001063270.7), dbSNP rs2145854547, ClinGen allele CA2499224301.